The following is an entry in ClinVar:

NM_006231.4(POLE):c.5017T>G (p.Phe1673Val)

Gene: POLE (DNA polymerase epsilon, catalytic subunit; minus strand). Cytogenetic location: 12q24.33.
Variant type: single nucleotide variant.
Coding change: c.5017T>G on transcript NM_006231.4 (MANE Select); coding-DNA position 5017, T replaced by G.
Protein change: p.Phe1673Val; replaces phenylalanine 1673 with valine.
Molecular consequence: missense variant.
Genome position (GRCh38, 1-based): chr12:132,642,333, A>C on the plus strand (T>G on the coding strand, the complement: POLE is on the minus strand). VCF-style: chr12-132642333-A-C. GRCh37 (hg19) VCF-style: chr12-133218919-A-C.
Other names: short protein forms F1673V.
Identifiers: ClinVar variation 4841497 (VCV004841497.1).

ClinVar aggregate classification (germline): Uncertain significance (1 of 4 stars; one submission).

Conditions:
Hereditary cancer-predisposing syndrome. Also called: Neoplastic Syndromes, Hereditary; Tumor predisposition; Hereditary Cancer Syndrome; Hereditary neoplastic syndrome. Identifiers: Orphanet 140162, MedGen C0027672, MeSH D009386, MONDO:0015356.

gnomAD v4.1: 1 of 1,595,806 alleles (0.000063%); highest among the groups gnomAD compares: South Asian, 0.0011%; no homozygotes.

Submission:

Ambry Genetics
Classification: Uncertain significance for Hereditary cancer-predisposing syndrome. Last evaluated: 2025-12-18. Review status: criteria provided, single submitter. Criteria: Ambry Variant Classification Scheme 2023. Collection method: clinical testing. Allele origin: germline.
Comment: The p.F1673V variant (also known as c.5017T>G), located in coding exon 38 of the POLE gene, results from a T to G substitution at nucleotide position 5017. The phenylalanine at codon 1673 is replaced by valine, an amino acid with highly similar properties. This amino acid position is conserved. In addition, the in silico prediction for this alteration is inconclusive. Based on the available evidence, the clinical significance of this variant remains unclear.